The following is an entry in ClinVar:

ClinVar aggregate classification (germline): Uncertain significance. Review status: criteria provided, multiple submitters, no conflicts (2 of 4 stars). 6 submissions from 6 submitters: Uncertain significance (5). 1 of the submissions does not count toward it. Last evaluated 2025-09-10.

Conditions:
Familial cancer of breast. Also called: Hereditary breast cancer; BREAST CANCER, FAMILIAL; hereditary breast carcinoma. Identifiers: Orphanet 227535, MedGen C0346153, MONDO:0016419, OMIM 114480. Disease mechanism: loss of function.
Hereditary cancer-predisposing syndrome. Also called: Hereditary neoplastic syndrome; Tumor predisposition; Neoplastic Syndromes, Hereditary; Hereditary Cancer Syndrome. Identifiers: Orphanet 140162, MedGen C0027672, MeSH D009386, MONDO:0015356.

Allele frequency attached by ClinVar (database versions not stated): gnomAD exomes below 0.00001.
gnomAD v4.1: 1 of 1,614,190 alleles (0.000062%); highest among the groups gnomAD compares: Non-Finnish European, 0.000085%; no homozygotes.

Submissions (6):

Labcorp Genetics (formerly Invitae), Labcorp
Classification: Uncertain significance for Familial cancer of breast. Last evaluated: 2025-09-10. Review status: criteria provided, single submitter. Criteria: Invitae Variant Classification Sherloc (09022015). Collection method: clinical testing. Allele origin: germline.
Comment: This sequence change replaces proline, which is neutral and non-polar, with threonine, which is neutral and polar, at codon 758 of the PALB2 protein (p.Pro758Thr). This variant is not present in population databases (gnomAD no frequency). This variant has not been reported in the literature in individuals affected with PALB2-related conditions. ClinVar contains an entry for this variant (Variation ID: 419741). Invitae Evidence Modeling of protein sequence and biophysical properties (such as structural, functional, and spatial information, amino acid conservation, physicochemical variation, residue mobility, and thermodynamic stability) indicates that this missense variant is not expected to disrupt PALB2 protein function with a negative predictive value of 80%. In summary, the available evidence is currently insufficient to determine the role of this variant in disease. Therefore, it has been classified as a Variant of Uncertain Significance.

Baylor Genetics
Classification: Uncertain significance for Familial cancer of breast. Last evaluated: 2024-02-09. Review status: criteria provided, single submitter. Criteria: ACMG Guidelines, 2015. Collection method: clinical testing. Allele origin: unknown.

Ambry Genetics
Classification: Uncertain significance for Hereditary cancer-predisposing syndrome. Last evaluated: 2023-08-02. Review status: criteria provided, single submitter. Criteria: Ambry Variant Classification Scheme 2023. Collection method: clinical testing. Allele origin: germline.
Comment: The p.P758T variant (also known as c.2272C>A), located in coding exon 5 of the PALB2 gene, results from a C to A substitution at nucleotide position 2272. The proline at codon 758 is replaced by threonine, an amino acid with highly similar properties. This variant was observed in an individual with early onset-breast cancer amongst a cohort of 1781 non-Ashkenazi Jewish individuals undergoing BRCA1/2 gene testing based on a personal history of breast cancer (Tung N et al. Cancer, 2015 Jan;121:25-33). This amino acid position is not well conserved in available vertebrate species. In addition, this alteration is predicted to be tolerated by in silico analysis. Since supporting evidence is limited at this time, the clinical significance of this alteration remains unclear.

Color Diagnostics, LLC DBA Color Health
Classification: Uncertain significance for Hereditary cancer-predisposing syndrome. Last evaluated: 2018-08-11. Review status: criteria provided, single submitter. Criteria: ACMG Guidelines, 2015. Collection method: clinical testing. Allele origin: germline.

GeneDx
Classification: Uncertain significance. Last evaluated: 2015-08-25. Review status: criteria provided, single submitter. Criteria: GeneDx Variant Classification (06012015). Collection method: clinical testing. Allele origin: germline. Affected: yes.
Comment: This variant is denoted PALB2 c.2272C>A at the cDNA level, p.Pro758Thr (P758T) at the protein level, and results in the change of a Proline to a Threonine (CCC>ACC). This variant has not, to our knowledge, been published in the literature as pathogenic or benign. PALB2 Pro758Thr was not observed in approximately 6,500 individuals of European and African American ancestry in the NHLBI Exome Sequencing Project, indicating it is not a common benign variant in these populations. Since Proline and Threonine differ in polarity, charge, size or other properties, this is considered a non-conservative amino acid substitution. PALB2 Pro758Thr occurs at a position that is not conserved and is not located in a known functional domain. In silico analyses are inconsistent regarding the effect this variant may have on protein structure and function. Based on currently available information, it is unclear whether PALB2 Pro758Thr is pathogenic or benign. We consider it to be a variant of uncertain significance.

Leiden Open Variation Database
Classification: Uncertain significance for Familial cancer of breast. Last evaluated: 2019-05-13. Review status: no assertion criteria provided. Collection method: curation. Allele origin: germline. Affected: yes. Not counted in ClinVar's aggregate classification.
Comment: Curators: Marc Tischkowitz, Arleen D. Auerbach. Submitter to LOVD: Marc Tischkowitz.

Literature cited by the submitters: PubMed 25186627 (cited by Ambry Genetics and Leiden Open Variation Database).

NM_024675.4(PALB2):c.2272C>A (p.Pro758Thr)

Gene: PALB2 (partner and localizer of BRCA2; minus strand). Cytogenetic location: 16p12.2.
Variant type: single nucleotide variant.
Coding change: c.2272C>A on transcript NM_024675.4 (MANE Select); coding-DNA position 2272, C replaced by A.
Protein change: p.Pro758Thr; replaces proline 758 with threonine.
Molecular consequence: missense variant.
Genome position (GRCh38, 1-based): chr16:23,629,882, G>T on the plus strand (C>A on the coding strand, the complement: PALB2 is on the minus strand). VCF-style: chr16-23629882-G-T. GRCh37 (hg19) VCF-style: chr16-23641203-G-T.
Other names: short protein forms P758T.
Identifiers: ClinVar variation 419741 (VCV000419741.17), dbSNP rs1064794078, ClinGen allele CA16620137.